The following is an entry in ClinVar:

ClinVar aggregate classification (germline): Likely benign. Review status: criteria provided, multiple submitters, no conflicts (2 of 4 stars). 6 submissions from 6 submitters: Likely benign (3). 3 of the submissions do not count toward it. Last evaluated 2026-02-01.

Conditions:
ALDOB-related disorder. Also called: ALDOB-related condition.
Hereditary fructosuria. Also called: Hereditary fructose intolerance; Fructose intolerance; ALDOB DEFICIENCY; ALDOLASE B DEFICIENCY; FRUCTOSE-1,6-BISPHOSPHATE ALDOLASE B DEFICIENCY; FRUCTOSE-1-PHOSPHATE ALDOLASE DEFICIENCY. Identifiers: Orphanet 469, MedGen C0016751, MONDO:0009249, OMIM 229600, HP:0005973. Disease mechanism: loss of function.

Allele frequency attached by ClinVar (database versions not stated): gnomAD exomes 0.00004 and 0.00012; ExAC 0.00014; 1000 Genomes Project 30x 0.00016; 1000 Genomes Project 0.00020; ESP Exome Variant Server 0.00054; gnomAD 0.00056 and 0.00058; TOPMed 0.00057.
gnomAD v4.1: 152 of 1,614,188 alleles (0.0094%); highest among the groups gnomAD compares: African/African-American, 0.17%; no homozygotes.

Submissions (6):

CeGaT Center for Human Genetics Tuebingen
Classification: Likely benign. Last evaluated: 2026-02-01. Review status: criteria provided, single submitter. Criteria: CeGaT Center For Human Genetics Tuebingen Variant Classification Criteria Version 2. Collection method: clinical testing. Allele origin: germline. Affected: yes. Observed: 2 variant alleles.
Comment: ALDOB: BP4, BP7

Labcorp Genetics (formerly Invitae), Labcorp
Classification: Likely benign for Hereditary fructosuria. Last evaluated: 2026-01-20. Review status: criteria provided, single submitter. Criteria: Invitae Variant Classification Sherloc (09022015). Collection method: clinical testing. Allele origin: germline.

GeneDx
Classification: Likely benign. Last evaluated: 2017-03-02. Review status: criteria provided, single submitter. Criteria: GeneDx Variant Classification (06012015). Collection method: clinical testing. Allele origin: germline. Affected: yes.
Comment: This variant is considered likely benign or benign based on one or more of the following criteria: it is a conservative change, it occurs at a poorly conserved position in the protein, it is predicted to be benign by multiple in silico algorithms, and/or has population frequency not consistent with disease.

PreventionGenetics, part of Exact Sciences
Classification: Likely benign for ALDOB-related condition. Last evaluated: 2021-07-30. Review status: no assertion criteria provided. Collection method: clinical testing. Allele origin: germline. Not counted in ClinVar's aggregate classification.
Comment: This variant is classified as likely benign based on ACMG/AMP sequence variant interpretation guidelines (Richards et al. 2015 PMID: 25741868, with internal and published modifications).

Natera, Inc.
Classification: Likely benign for Fructose intolerance. Last evaluated: 2020-04-14. Review status: no assertion criteria provided. Collection method: clinical testing. Allele origin: germline. Not counted in ClinVar's aggregate classification.

Eurofins Ntd Llc (ga)
Classification: Uncertain significance. Last evaluated: 2017-10-03. Review status: flagged submission. Criteria: EGL Classification Definitions 2015. Collection method: clinical testing. Allele origin: germline. Observed: 3 variant alleles, 3 heterozygotes. Not counted in ClinVar's aggregate classification.
ClinVar note: Reason: Older and outlier claim with insufficient supporting evidence

NM_000035.4(ALDOB):c.525C>T (p.Ala175=)

Gene: ALDOB (aldolase, fructose-bisphosphate B; minus strand). Cytogenetic location: 9q31.1.
Variant type: single nucleotide variant.
Coding change: c.525C>T on transcript NM_000035.4 (MANE Select); coding-DNA position 525, C replaced by T.
Protein change: p.Ala175=; no amino-acid change (alanine 175 retained).
Molecular consequence: synonymous variant.
Genome position (GRCh38, 1-based): chr9:101,427,497, G>A on the plus strand (C>T on the coding strand, the complement: ALDOB is on the minus strand). VCF-style: chr9-101427497-G-A. GRCh37 (hg19) VCF-style: chr9-104189779-G-A.
Other names: c.525C>T, p.Ala175= (LRG_1244t1).
Identifiers: ClinVar variation 501416 (VCV000501416.40), dbSNP rs144196914, ClinGen allele CA5161571.